The following is an entry in ClinVar:

NM_014270.5(SLC7A9):c.291T>A (p.Tyr97Ter)

Gene: SLC7A9 (solute carrier family 7 member 9; minus strand). Cytogenetic location: 19q13.11.
Variant type: single nucleotide variant.
Coding change: c.291T>A on transcript NM_014270.5 (MANE Select); coding-DNA position 291, T replaced by A.
Protein change: p.Tyr97Ter; replaces tyrosine 97 with a stop codon.
Molecular consequence: nonsense.
Genome position (GRCh38, 1-based): chr19:32,864,283, A>T on the plus strand (T>A on the coding strand, the complement: SLC7A9 is on the minus strand). VCF-style: chr19-32864283-A-T. GRCh37 (hg19) VCF-style: chr19-33355189-A-T.
Other names: c.291T>A, p.Tyr97Ter (NM_001126335.2, NM_001243036.2); short protein forms Y97*.
Identifiers: ClinVar variation 3901482 (VCV003901482.1).

ClinVar aggregate classification (germline): Likely pathogenic (1 of 4 stars; one submission).

gnomAD v4.1: 4 of 1,613,840 alleles (0.00025%); highest among the groups gnomAD compares: Non-Finnish European, 0.00034%; no homozygotes.

Submission:

GeneDx
Classification: Likely pathogenic. Last evaluated: 2024-12-09. Review status: criteria provided, single submitter. Criteria: GeneDx Variant Classification Process June 2021. Collection method: clinical testing. Allele origin: germline. Affected: yes.
Comment: Not observed at significant frequency in large population cohorts (gnomAD); Nonsense variant predicted to result in protein truncation or nonsense mediated decay in a gene for which loss of function is a known mechanism of disease; This variant is associated with the following publications: (PMID: 25525159, 18386381, 32723786, 18752446)